The following is an entry in ClinVar:

ClinVar aggregate classification (germline): Pathogenic (1 of 4 stars; one submission).

Conditions:
Inborn genetic diseases. Identifiers: MedGen C0950123, MeSH D030342.

Submission:

Ambry Genetics
Classification: Pathogenic for Inborn genetic diseases. Last evaluated: 2026-01-14. Review status: criteria provided, single submitter. Criteria: Ambry Variant Classification Scheme 2023. Collection method: clinical testing. Allele origin: germline.
Comment: The c.1751C>G (p.S584*) alteration, located in exon 13 (coding exon 13) of the WAC gene, consists of a C to G substitution at nucleotide position 1751. This changes the amino acid from a serine (S) to a stop codon at amino acid position 584. This alteration is expected to result in loss of function by premature protein truncation or nonsense-mediated mRNA decay. This variant was not reported in population-based cohorts in the Genome Aggregation Database (gnomAD). Based on the available evidence, this alteration is classified as pathogenic.

NM_016628.5(WAC):c.1751C>G (p.Ser584Ter)

Gene: WAC (WW domain containing adaptor with coiled-coil; plus strand). Cytogenetic location: 10p12.1.
Variant type: single nucleotide variant.
Coding change: c.1751C>G on transcript NM_016628.5 (MANE Select); coding-DNA position 1751, C replaced by G.
Protein change: p.Ser584Ter; replaces serine 584 with a stop codon.
Molecular consequence: nonsense.
Genome position (GRCh38, 1-based): chr10:28,617,661, C>G. VCF-style: chr10-28617661-C-G. GRCh37 (hg19) VCF-style: chr10-28906590-C-G.
Other names: c.1616C>G, p.Ser539Ter (NM_100264.3); c.1442C>G, p.Ser481Ter (NM_100486.4); short protein forms S539*, S584*, S481*.
Identifiers: ClinVar variation 4838580 (VCV004838580.1).